The following is an entry in ClinVar:

ClinVar aggregate classification (germline): Pathogenic (1 of 4 stars; one submission).

Conditions:
TCF12-related craniosynostosis. Also called: Craniosynostosis 3. Identifiers: Orphanet 35098, Orphanet 35099, Orphanet 672979, MedGen C3715051, MONDO:0014128, OMIM 615314.

Submission:

3billion
Classification: Pathogenic for TCF12-related craniosynostosis. Last evaluated: 2025-08-26. Review status: criteria provided, single submitter. Criteria: ACMG Guidelines, 2015. Collection method: clinical testing. Allele origin: germline. Affected: yes.
Comment: The variant is not observed in the gnomAD v4.1.0 dataset. Predicted Consequence/Location: Stop-gained (nonsense): predicted to result in a loss or disruption of normal protein function through nonsense-mediated decay (NMD) or protein truncation. Multiple pathogenic variants are reported downstream of the variant. The variant has been reported to be associated with TCF12-related disorder (PMID: 23354436). Therefore, this variant is classified as Pathogenic according to the recommendation of ACMG/AMP guideline.

Literature cited by the submitters: PubMed 23354436.

NM_207037.2(TCF12):c.1514C>G (p.Ser505Ter)

Gene: TCF12 (transcription factor 12; plus strand). Cytogenetic location: 15q21.3.
Variant type: single nucleotide variant.
Coding change: c.1514C>G on transcript NM_207037.2 (MANE Select); coding-DNA position 1514, C replaced by G.
Protein change: p.Ser505Ter; replaces serine 505 with a stop codon.
Molecular consequence: nonsense.
Genome position (GRCh38, 1-based): chr15:57,262,140, C>G. VCF-style: chr15-57262140-C-G. GRCh37 (hg19) VCF-style: chr15-57554338-C-G.
Other names: c.1004C>G, p.Ser335Ter (NM_001306219.3); c.734C>G, p.Ser245Ter (NM_001306220.3); c.1514C>G, p.Ser505Ter (NM_001322151.2, NM_001322152.2, NM_001322159.3 and 2 more transcripts); c.857C>G, p.Ser286Ter (NM_001322154.2); c.1340C>G, p.Ser447Ter (NM_001322156.2); c.1442C>G, p.Ser481Ter (NM_001322157.3, NM_001322165.2, NM_003205.4 and 1 more transcripts); c.1268C>G, p.Ser423Ter (NM_001322158.2); c.1511C>G, p.Ser504Ter (NM_001322161.2); and 2 more; short protein forms S245*, S286*, S311*, S335*, S423*, S447*, S481*, S493*.
Identifiers: ClinVar variation 4854649 (VCV004854649.1).